The following is an entry in ClinVar:

NM_001005242.3(PKP2):c.2204C>G (p.Pro735Arg)

Gene: PKP2 (plakophilin 2; minus strand). Cytogenetic location: 12p11.21.
Variant type: single nucleotide variant.
Coding change: c.2204C>G on transcript NM_001005242.3 (MANE Select); coding-DNA position 2204, C replaced by G.
Protein change: p.Pro735Arg; replaces proline 735 with arginine.
Molecular consequence: missense variant. On other transcripts: intron variant (2).
Genome position (GRCh38, 1-based): chr12:32,796,262, G>C on the plus strand (C>G on the coding strand, the complement: PKP2 is on the minus strand). VCF-style: chr12-32796262-G-C. GRCh37 (hg19) VCF-style: chr12-32949196-G-C.
Other names: c.2039C>G, p.Pro680Arg (NM_001407156.1); c.1877C>G, p.Pro626Arg (NM_001407158.1, NM_001407159.1); c.2336C>G, p.Pro779Arg (NM_004572.4); c.2168-3531C>G (NM_001407155.1); c.1841-3531C>G (NM_001407160.1); short protein forms P626R, P680R, P735R, P779R.
Identifiers: ClinVar variation 4757925 (VCV004757925.1).

ClinVar aggregate classification (germline): Uncertain significance (1 of 4 stars; one submission).

Conditions:
Cardiomyopathy (CMYO). Also called: Cardiomyopathies. Identifiers: Orphanet 167848, MedGen C0878544, MONDO:0004994, HP:0001638. Inheritance: Various modes of inheritance.

gnomAD v4.1: 3 of 1,613,290 alleles (0.00019%); highest among the groups gnomAD compares: South Asian, 0.0033%; no homozygotes.

Submission:

Color Diagnostics, LLC DBA Color Health
Classification: Uncertain significance for Cardiomyopathy. Last evaluated: 2025-08-26. Review status: criteria provided, single submitter. Criteria: ACMG Guidelines, 2015. Collection method: clinical testing. Allele origin: germline.
Comment: This missense variant replaces proline with arginine at codon 779 of the PKP2 protein. Computational prediction suggests that this variant may not impact protein structure and function. To our knowledge, functional studies have not been reported for this variant. This variant has not been reported in individuals affected with PKP2-related disorders in the literature. This variant has been identified in 3/251324 chromosomes in the general population by the Genome Aggregation Database (gnomAD). The available evidence is insufficient to determine the role of this variant in disease conclusively. Therefore, this variant is classified as a Variant of Uncertain Significance.